The following is an entry in ClinVar:

ClinVar aggregate classification (germline): Likely benign (1 of 4 stars; one submission).

gnomAD v4.1: 2 of 1,609,640 alleles (0.00012%); highest among the groups gnomAD compares: Non-Finnish European, 0.00017%; no homozygotes.

Submission:

Mayo Clinic Laboratories, Mayo Clinic
Classification: Likely benign. Last evaluated: 2025-10-30. Review status: criteria provided, single submitter. Criteria: ACMG Guidelines, 2015. Collection method: clinical testing. Allele origin: germline. Observed: 1 variant allele.
Comment: BP4, BP7

NM_194454.3(KRIT1):c.123C>G (p.Pro41=)

Gene: KRIT1 (KRIT1 ankyrin repeat containing; minus strand). Cytogenetic location: 7q21.2.
Variant type: single nucleotide variant.
Coding change: c.123C>G on transcript NM_194454.3 (MANE Select); coding-DNA position 123, C replaced by G.
Protein change: p.Pro41=; no amino-acid change (proline 41 retained).
Molecular consequence: synonymous variant. On other transcripts: 5 prime UTR variant (1).
Genome position (GRCh38, 1-based): chr7:92,241,132, G>C on the plus strand (C>G on the coding strand, the complement: KRIT1 is on the minus strand). VCF-style: chr7-92241132-G-C. GRCh37 (hg19) VCF-style: chr7-91870446-G-C.
Other names: p.Pro41=; c.123C>G, p.Pro41= (NM_001013406.2, NM_001350669.1, NM_001350670.1 and 29 more transcripts); c.-461C>G (NM_001350671.1).
Identifiers: ClinVar variation 4683290 (VCV004683290.1).
Genomic context (GRCh38, chr7:92,241,132, plus strand): 5'-GTTGCCTTGAAGTTTCGTTTCCAATAAAACTTTCTTTCTCTTTTTTTTCTGTCCTTCAAT[G>C]GGAACTTCATGCAACAAAATCTTAGATGAGAAAAACATTAAGAGAAAGCTTAAAATAAAG-3'
Protein context (NP_919436.1, residues 31-51): KSYEILLHEV[Pro41=]IEGQKKKRKK